The following is an entry in ClinVar:

ClinVar aggregate classification (germline): Uncertain significance (1 of 4 stars; one submission).

Conditions:
Charcot-Marie-Tooth disease type 4. Also called: Charcot-Marie-Tooth disease, type IV; Charcot-Marie-Tooth, Type 4. Identifiers: Orphanet 64749, MedGen C4082197, MONDO:0018995.

Submission:

Labcorp Genetics (formerly Invitae), Labcorp
Classification: Uncertain significance for Charcot-Marie-Tooth disease type 4. Last evaluated: 2022-08-15. Review status: criteria provided, single submitter. Criteria: Invitae Variant Classification Sherloc (09022015). Collection method: clinical testing. Allele origin: germline.
Comment: In summary, the available evidence is currently insufficient to determine the role of this variant in disease. Therefore, it has been classified as a Variant of Uncertain Significance. Algorithms developed to predict the effect of missense changes on protein structure and function (SIFT, PolyPhen-2, Align-GVGD) all suggest that this variant is likely to be tolerated. ClinVar contains an entry for this variant (Variation ID: 1417866). This variant has not been reported in the literature in individuals affected with SBF2-related conditions. This variant is not present in population databases (gnomAD no frequency). This sequence change replaces valine, which is neutral and non-polar, with leucine, which is neutral and non-polar, at codon 1183 of the SBF2 protein (p.Val1183Leu).

NM_030962.4(SBF2):c.3547G>T (p.Val1183Leu)

Gene: SBF2 (SET binding factor 2; minus strand). Cytogenetic location: 11p15.4.
Variant type: single nucleotide variant.
Coding change: c.3547G>T on transcript NM_030962.4 (MANE Select); coding-DNA position 3547, G replaced by T.
Protein change: p.Val1183Leu; replaces valine 1183 with leucine.
Molecular consequence: missense variant.
Genome position (GRCh38, 1-based): chr11:9,832,329, C>A on the plus strand (G>T on the coding strand, the complement: SBF2 is on the minus strand). VCF-style: chr11-9832329-C-A. GRCh37 (hg19) VCF-style: chr11-9853876-C-A.
Other names: c.3547G>T, p.Val1183Leu (NM_001386339.1); c.3418G>T, p.Val1140Leu (NM_001386342.1); short protein forms V1183L, V1140L.
Identifiers: ClinVar variation 1417866 (VCV001417866.6), dbSNP rs2133937176, ClinGen allele CA379645667.